The following is an entry in ClinVar:

ClinVar aggregate classification (germline): Likely benign. Review status: criteria provided, single submitter (1 of 4 stars). 2 submissions from 2 submitters: Likely benign (1). 1 of the submissions does not count toward it. Last evaluated 2025-08-30.

Conditions:
ASIP-related condition.

gnomAD v4.1: 195 of 1,607,510 alleles (0.012%); highest among the groups gnomAD compares: Middle Eastern, 0.12%; 2 homozygotes.

Submissions (2):

Ambry Genetics
Classification: Likely benign. Last evaluated: 2025-08-30. Review status: criteria provided, single submitter. Criteria: Ambry Variant Classification Scheme 2023. Collection method: clinical testing. Allele origin: germline.

PreventionGenetics, part of Exact Sciences
Classification: Likely benign for ASIP-related condition. Last evaluated: 2024-08-23. Review status: no assertion criteria provided. Collection method: clinical testing. Allele origin: germline. Not counted in ClinVar's aggregate classification.
Comment: This variant is classified as likely benign based on ACMG/AMP sequence variant interpretation guidelines (Richards et al. 2015 PMID: 25741868, with internal and published modifications).

NM_001672.3(ASIP):c.264C>G (p.Pro88=)

Genes: AHCY (adenosylhomocysteinase; minus strand), ASIP (agouti signaling protein; plus strand). Cytogenetic location: 20q11.22.
Variant type: single nucleotide variant.
Coding change: c.264C>G on transcript NM_001672.3 (MANE Select); coding-DNA position 264, C replaced by G.
Protein change: p.Pro88=; no amino-acid change (proline 88 retained).
Molecular consequence: synonymous variant.
Genome position (GRCh38, 1-based): chr20:34,269,032, C>G. VCF-style: chr20-34269032-C-G. GRCh37 (hg19) VCF-style: chr20-32856838-C-G.
Other names: c.264C>G, p.Pro88= (NM_001385218.1).
Identifiers: ClinVar variation 3355302 (VCV003355302.2).